The following is an entry in ClinVar:

NM_001379200.1(TBX1):c.1186G>C (p.Gly396Arg)

Gene: TBX1 (T-box transcription factor 1; plus strand). Cytogenetic location: 22q11.21.
Variant type: single nucleotide variant.
Coding change: c.1186G>C on transcript NM_001379200.1 (MANE Select); coding-DNA position 1186, G replaced by C.
Protein change: p.Gly396Arg; replaces glycine 396 with arginine.
Molecular consequence: missense variant. On other transcripts: intron variant (2).
Genome position (GRCh38, 1-based): chr22:19,766,538, G>C. VCF-style: chr22-19766538-G-C. GRCh37 (hg19) VCF-style: chr22-19754061-G-C.
Other names: c.1159G>C, p.Gly387Arg (NM_080647.1); c.1009+536G>C (NM_005992.1, NM_080646.2); short protein forms G387R, G396R.
Identifiers: ClinVar variation 1475608 (VCV001475608.8), dbSNP rs1377774172, ClinGen allele CA410684435.

ClinVar aggregate classification (germline): Uncertain significance (1 of 4 stars; one submission).

Conditions:
DiGeorge syndrome. Also called: Catch22; THIRD AND FOURTH PHARYNGEAL POUCH SYNDROME. Identifiers: Orphanet 567, MedGen C0012236, MONDO:0008564, OMIM 188400.

Allele frequency attached by ClinVar (database versions not stated): TOPMed 0.00001; gnomAD 0.00002.
gnomAD v4.1: 35 of 1,346,282 alleles (0.0026%); highest among the groups gnomAD compares: Non-Finnish European, 0.0033%; no homozygotes.

Submission:

Labcorp Genetics (formerly Invitae), Labcorp
Classification: Uncertain significance for DiGeorge syndrome. Last evaluated: 2025-06-15. Review status: criteria provided, single submitter. Criteria: Invitae Variant Classification Sherloc (09022015). Collection method: clinical testing. Allele origin: germline.
Comment: This sequence change replaces glycine, which is neutral and non-polar, with arginine, which is basic and polar, at codon 387 of the TBX1 protein (p.Gly387Arg). This variant is not present in population databases (gnomAD no frequency). This variant has not been reported in the literature in individuals affected with TBX1-related conditions. ClinVar contains an entry for this variant (Variation ID: 1475608). An algorithm developed to predict the effect of missense changes on protein structure and function (PolyPhen-2) suggests that this variant is likely to be tolerated. In summary, the available evidence is currently insufficient to determine the role of this variant in disease. Therefore, it has been classified as a Variant of Uncertain Significance.